The following is an entry in ClinVar:

NM_001291303.3(FAT4):c.6800A>G (p.Asn2267Ser)

Gene: FAT4 (FAT atypical cadherin 4; plus strand). Cytogenetic location: 4q28.1.
Variant type: single nucleotide variant.
Coding change: c.6800A>G on transcript NM_001291303.3 (MANE Select); coding-DNA position 6800, A replaced by G.
Protein change: p.Asn2267Ser; replaces asparagine 2267 with serine.
Molecular consequence: missense variant.
Genome position (GRCh38, 1-based): chr4:125,415,763, A>G. VCF-style: chr4-125415763-A-G. GRCh37 (hg19) VCF-style: chr4-126336918-A-G.
Other names: c.6800A>G, p.Asn2267Ser (NM_001291285.3, NM_024582.6); short protein forms N2267S.
Identifiers: ClinVar variation 1983437 (VCV001983437.1), dbSNP rs770338666, ClinGen allele CA3072986.
Genomic context (GRCh38, chr4:125,415,763, plus strand): 5'-TTGTTCTACTGGATATTAATGACTTTGTTCCTGTATTTGAGCTATCTCCATATTCTGTAA[A>G]TGTCCCTGAGAATTTAGGGACACTACCCAGAACAATTCTTCAGGTCAGTATATTTAAATA-3'
Protein context (NP_001278232.1, residues 2257-2277): PVFELSPYSV[Asn2267Ser]VPENLGTLPR

ClinVar aggregate classification (germline): Uncertain significance (1 of 4 stars; one submission).

Allele frequency attached by ClinVar (database versions not stated): gnomAD exomes 0.00001; ExAC 0.00002; gnomAD 0.00004; TOPMed 0.00010.
gnomAD v4.1: 15 of 1,613,676 alleles (0.00093%); highest among the groups gnomAD compares: African/African-American, 0.019%; no homozygotes.

Submission:

Labcorp Genetics (formerly Invitae), Labcorp
Classification: Uncertain significance. Last evaluated: 2022-01-18. Review status: criteria provided, single submitter. Criteria: Invitae Variant Classification Sherloc (09022015). Collection method: clinical testing. Allele origin: germline.
Comment: This sequence change replaces asparagine, which is neutral and polar, with serine, which is neutral and polar, at codon 2267 of the FAT4 protein (p.Asn2267Ser). This variant is present in population databases (rs770338666, gnomAD 0.03%). This variant has not been reported in the literature in individuals affected with FAT4-related conditions. Advanced modeling of protein sequence and biophysical properties (such as structural, functional, and spatial information, amino acid conservation, physicochemical variation, residue mobility, and thermodynamic stability) performed at Invitae indicates that this missense variant is not expected to disrupt FAT4 protein function. Algorithms developed to predict the effect of sequence changes on RNA splicing suggest that this variant may create or strengthen a splice site. In summary, the available evidence is currently insufficient to determine the role of this variant in disease. Therefore, it has been classified as a Variant of Uncertain Significance.